The following is an entry in ClinVar:

ClinVar aggregate classification (germline): Uncertain significance (1 of 4 stars; one submission).

gnomAD v4.1: 72 of 1,612,758 alleles (0.0045%); highest among the groups gnomAD compares: South Asian, 0.075%; no homozygotes.

Submission:

Women's Health and Genetics/Laboratory Corporation of America, LabCorp
Classification: Uncertain significance. Last evaluated: 2025-10-01. Review status: criteria provided, single submitter. Criteria: LabCorp Variant Classification Summary - May 2015. Collection method: clinical testing. Allele origin: germline.
Comment: Variant summary: DPYD c.2639G>T (p.Gly880Val) results in a non-conservative amino acid change in the encoded protein sequence. Algorithms developed to predict the effect of missense changes on protein structure and function all suggest that this variant is likely to be disruptive. The variant allele was found at a frequency of 9.2e-05 in 250184 control chromosomes. This frequency is not significantly higher than estimated for disease-causing variants in DPYD, allowing no conclusion about variant significance. To our knowledge, no occurrence of c.2639G>T in individuals affected with DPYD-related conditions has been reported. At least one publication reports experimental evidence in HEK293 cells, showing loss of enzymatic activity, suggesting possible drug toxicity (e.g. Offer_2014), however these data have not been corroborated in any clinical studies. The following publications have been ascertained in the context of this evaluation (PMID: 39032821, 39887719, 36335097, 24648345). No submitters have cited clinical-significance assessments for this variant to ClinVar. Based on the evidence outlined above, the variant was classified as uncertain significance.

Literature cited by the submitters: PubMed 24648345; PubMed 32707991; PubMed 29152729; PubMed 36335097; PubMed 25381393; PubMed 33228198; PubMed 39887719; PubMed 39032821.

NM_000110.4(DPYD):c.2639G>T (p.Gly880Val)

Genes: DPYD (dihydropyrimidine dehydrogenase; minus strand), DPYD-AS1 (DPYD antisense RNA 1; plus strand). Cytogenetic location: 1p21.3.
Variant type: single nucleotide variant.
Coding change: c.2639G>T on transcript NM_000110.4 (MANE Select); coding-DNA position 2639, G replaced by T.
Protein change: p.Gly880Val; replaces glycine 880 with valine.
Molecular consequence: missense variant.
Genome position (GRCh38, 1-based): chr1:97,098,616, C>A on the plus strand (G>T on the coding strand, the complement: DPYD is on the minus strand). VCF-style: chr1-97098616-C-A. GRCh37 (hg19) VCF-style: chr1-97564172-C-A.
Other names: short protein forms G880V.
Identifiers: ClinVar variation 3777723 (VCV003777723.1).
Genomic context (GRCh38, chr1:97,098,616, plus strand): 5'-TGTTCTTTCAGTCTAATCTTGTTTTCTGCTATGATTTTCTTGCGCTGTTCCAGATAAGGT[C>A]CAAAACTTGGCAGTTTCTAAAAGGAAAACACACAAATAAGGAAGCATGTTAGCTCAGAGA-3'
Protein context (NP_000101.2, residues 870-890): ELMDKKLPSF[Gly880Val]PYLEQRKKII